The following is an entry in ClinVar:

NM_018417.6(ADCY10):c.1559A>G (p.Tyr520Cys)

Genes: ADCY10 (adenylate cyclase 10; minus strand), DCAF6 (DDB1 and CUL4 associated factor 6; plus strand). Cytogenetic location: 1q24.2.
Variant type: single nucleotide variant.
Coding change: c.1559A>G on transcript NM_018417.6 (MANE Select); coding-DNA position 1559, A replaced by G.
Protein change: p.Tyr520Cys; replaces tyrosine 520 with cysteine.
Molecular consequence: missense variant.
Genome position (GRCh38, 1-based): chr1:167,870,314, T>C on the plus strand (A>G on the coding strand, the complement: ADCY10 is on the minus strand). VCF-style: chr1-167870314-T-C. GRCh37 (hg19) VCF-style: chr1-167839552-T-C.
Other names: c.1100A>G, p.Tyr367Cys (NM_001167749.3); c.1283A>G, p.Tyr428Cys (NM_001297772.2); short protein forms Y367C, Y428C, Y520C.
Identifiers: ClinVar variation 3610469 (VCV003610469.2).

ClinVar aggregate classification (germline): Uncertain significance (1 of 4 stars; one submission).

gnomAD v4.1: 10 of 1,614,002 alleles (0.00062%); highest among the groups gnomAD compares: Non-Finnish European, 0.00085%; no homozygotes.

Submission:

Labcorp Genetics (formerly Invitae), Labcorp
Classification: Uncertain significance. Last evaluated: 2025-06-12. Review status: criteria provided, single submitter. Criteria: Invitae Variant Classification Sherloc (09022015). Collection method: clinical testing. Allele origin: germline.
Comment: This sequence change replaces tyrosine, which is neutral and polar, with cysteine, which is neutral and slightly polar, at codon 520 of the ADCY10 protein (p.Tyr520Cys). This variant is not present in population databases (gnomAD no frequency). This variant has not been reported in the literature in individuals affected with ADCY10-related conditions. ClinVar contains an entry for this variant (Variation ID: 3610469). An algorithm developed to predict the effect of missense changes on protein structure and function outputs the following: PolyPhen-2: "Benign". The cysteine amino acid residue is found in multiple mammalian species, which suggests that this missense change does not adversely affect protein function. In summary, the available evidence is currently insufficient to determine the role of this variant in disease. Therefore, it has been classified as a Variant of Uncertain Significance.